The following is an entry in ClinVar:

NM_001408.3(CELSR2):c.8021_8027dup (p.Pro2677fs)

Gene: CELSR2 (cadherin EGF LAG seven-pass G-type receptor 2; plus strand). Cytogenetic location: 1p13.3.
Variant type: Duplication.
Coding change: c.8021_8027dup on transcript NM_001408.3 (MANE Select); coding-DNA positions 8021 to 8027, 7 bases duplicated (AGAGTCA; older notation c.8021_8027dupAGAGTCA).
Protein change: p.Pro2677fs; shifts the reading frame from proline 2677.
Molecular consequence: frameshift variant.
Genome position (GRCh38, 1-based): chr1:109,272,372-109,272,378, AGAGTCA duplicated; duplicating any 7 consecutive bases within chr1:109,272,370-109,272,378 gives the same sequence; the c. name uses the placement nearest the transcript's 3' end. VCF-style (leftmost placement, unchanged base first): chr1-109272369-G-GCAAGAGT. GRCh37 (hg19) VCF-style: chr1-109814991-G-GCAAGAGT.
Other names: short protein forms P2677fs.
Identifiers: ClinVar variation 4734886 (VCV004734886.1).

ClinVar aggregate classification (germline): Uncertain significance (1 of 4 stars; one submission).

Submission:

Labcorp Genetics (formerly Invitae), Labcorp
Classification: Uncertain significance. Last evaluated: 2026-01-17. Review status: criteria provided, single submitter. Criteria: Invitae Variant Classification Sherloc (09022015). Collection method: clinical testing. Allele origin: germline.
Comment: This sequence change creates a premature translational stop signal (p.Pro2677Glufs*41) in the CELSR2 gene. It is expected to result in an absent or disrupted protein product. However, the current clinical and genetic evidence is not sufficient to establish whether loss-of-function variants in CELSR2 cause disease. This variant is not present in population databases (gnomAD no frequency). This variant has not been reported in the literature in individuals affected with CELSR2-related conditions. In summary, the available evidence is currently insufficient to determine the role of this variant in disease. Therefore, it has been classified as a Variant of Uncertain Significance.